The following is an entry in ClinVar:

ClinVar aggregate classification (germline): Likely pathogenic (1 of 4 stars; one submission).

Conditions:
Familial hemophagocytic lymphohistiocytosis 3 (FHL3). Also called: UNC13D-Related Familial Hemophagocytic Lymphohistiocytosis (UNC13D-fHLH). Identifiers: Orphanet 540, MedGen C1837174, MONDO:0012146, OMIM 608898.

Allele frequency attached by ClinVar (database versions not stated): gnomAD 0.00001.

Submission:

Neuberg Centre For Genomic Medicine, NCGM
Classification: Likely pathogenic for Familial hemophagocytic lymphohistiocytosis 3. Review status: criteria provided, single submitter. Criteria: ACMG Guidelines, 2015. Collection method: clinical testing. Allele origin: germline. Inheritance: Autosomal recessive inheritance. Affected: yes.
Comment: The frame shift c.2819del (p.Leu940ArgfsTer13) variant has not been reported previously as a pathogenic variant nor as a benign variant, to our knowledge. The p.Leu940ArgfsTer13 variant is novel (not in any individuals) in gnomAD Exomes and is novel (not in any individuals) in 1000 Genomes. This variant is predicted to cause loss of normal protein function through protein truncation. Loss of function variants have been previously reported to be disease causing. For these reasons, this variant has been classified as Likely Pathogenic

NM_199242.3(UNC13D):c.2819del (p.Leu940fs)

Genes: UNC13D (unc-13 homolog D; minus strand), LOC112533672 (Sharpr-MPRA regulatory region 1193; plus strand). Cytogenetic location: 17q25.1.
Variant type: Deletion.
Coding change: c.2819del on transcript NM_199242.3 (MANE Select); coding-DNA position 2819, one base deleted (T; older notation c.2819delT).
Protein change: p.Leu940fs; shifts the reading frame from leucine 940.
Molecular consequence: frameshift variant.
Genome position (GRCh38, 1-based): chr17:75,830,373, A deleted on the plus strand (T on the coding strand, the reverse complement: UNC13D is on the minus strand). VCF-style (leftmost placement, unchanged base first): chr17-75830372-CA-C. GRCh37 (hg19) VCF-style: chr17-73826453-CA-C.
Other names: short protein forms L940fs.
Identifiers: ClinVar variation 2585076 (VCV002585076.1), dbSNP rs2064862256, ClinGen allele CA986365672.